The following is an entry in ClinVar:

ClinVar aggregate classification (germline): Uncertain significance (1 of 4 stars; one submission).

Conditions:
Inborn genetic diseases. Identifiers: MedGen C0950123, MeSH D030342.

Allele frequency attached by ClinVar (database versions not stated): gnomAD exomes below 0.00001.
gnomAD v4.1: 1 of 1,613,552 alleles (0.000062%); highest among the groups gnomAD compares: Non-Finnish European, 0.000085%; no homozygotes.

Submission:

Ambry Genetics
Classification: Uncertain significance for Inborn genetic diseases. Last evaluated: 2023-01-14. Review status: criteria provided, single submitter. Criteria: Ambry Variant Classification Scheme 2023. Collection method: clinical testing. Allele origin: germline.
Comment: The p.I1216M variant (also known as c.3648A>G), located in coding exon 19 of the ATR gene, results from an A to G substitution at nucleotide position 3648. The isoleucine at codon 1216 is replaced by methionine, an amino acid with highly similar properties. This amino acid position is conserved. In addition, the in silico prediction for this alteration is inconclusive. Since supporting evidence is limited at this time, the clinical significance of this alteration remains unclear.

NM_001184.4(ATR):c.3648A>G (p.Ile1216Met)

Gene: ATR (ATR checkpoint kinase; minus strand). Cytogenetic location: 3q23.
Variant type: single nucleotide variant.
Coding change: c.3648A>G on transcript NM_001184.4 (MANE Select); coding-DNA position 3648, A replaced by G.
Protein change: p.Ile1216Met; replaces isoleucine 1216 with methionine.
Molecular consequence: missense variant.
Genome position (GRCh38, 1-based): chr3:142,538,559, T>C on the plus strand (A>G on the coding strand, the complement: ATR is on the minus strand). VCF-style: chr3-142538559-T-C. GRCh37 (hg19) VCF-style: chr3-142257401-T-C.
Other names: c.3456A>G, p.Ile1152Met (NM_001354579.2); short protein forms I1216M, I1152M.
Identifiers: ClinVar variation 2453570 (VCV002453570.2), dbSNP rs2108432601, ClinGen allele CA354807528.
Genomic context (GRCh38, chr3:142,538,559, plus strand): 5'-GTAGTGGAAGATAGCTGCAGTTTCTTTAGGCTGGATGTGTATAAGAGGTAACAAAGCTAC[T>C]ATTACATGACTGAGAAGGGAGCCCAGACAAGCATGATCCAGGCAGCGAACAAAGCAGTCC-3'
Protein context (NP_001175.2, residues 1206-1226): ACLGSLLSHV[Ile1216Met]VALLPLIHIQ